The following is an entry in ClinVar:

ClinVar aggregate classification (germline): Uncertain significance (1 of 4 stars; one submission).

Conditions:
Cardiovascular phenotype. Identifiers: MedGen CN230736.

Submission:

Ambry Genetics
Classification: Uncertain significance for Cardiovascular phenotype. Last evaluated: 2023-04-03. Review status: criteria provided, single submitter. Criteria: Ambry Variant Classification Scheme 2023. Collection method: clinical testing. Allele origin: germline.
Comment: The c.897-2199_1042del2345 gross deletion includes at least a portion of the coding exon 7 and involves the canonical donor site before coding exon 7 of the LDB3 gene. Alterations that disrupt the canonical splice site are expected to cause aberrant splicing, resulting in an abnormal protein or a transcript that is subject to nonsense-mediated mRNA decay. However, loss of function of LDB3 has not been established as a mechanism of disease. Since supporting evidence is limited at this time, the clinical significance of this alteration remains unclear.

NM_007078.3(LDB3):c.897-2195_1046del

Gene: LDB3 (LIM domain binding 3; plus strand). Cytogenetic location: 10q23.2.
Variant type: Deletion.
Coding change: c.897-2195_1046del on transcript NM_007078.3 (MANE Select); 2195 bases into the intron before coding-DNA position 897 through coding-DNA position 1046, 2,345 bases deleted.
Molecular consequence: splice acceptor variant. On other transcripts: intron variant (4).
Genome position (GRCh38, 1-based): chr10:86,704,336-86,706,680, 2,345 bases deleted. GRCh37 (hg19): chr10:88,464,093-88,466,437.
Other names: c.897-5569_897-3225del (NM_001368064.1, NM_001368065.1); c.1101-5569_1101-3225del (NM_001171610.2); c.756-2195_905del (NM_001368066.1); c.756-5569_756-3225del (NM_001080114.2).
Identifiers: ClinVar variation 2563918 (VCV002563918.2), ClinGen allele CA2580615531.